The following is an entry in ClinVar:

NM_000368.5(TSC1):c.2607G>C (p.Lys869Asn)

Gene: TSC1 (TSC complex subunit 1; minus strand). Cytogenetic location: 9q34.13.
Variant type: single nucleotide variant.
Coding change: c.2607G>C on transcript NM_000368.5 (MANE Select); coding-DNA position 2607, G replaced by C.
Protein change: p.Lys869Asn; replaces lysine 869 with asparagine.
Molecular consequence: missense variant.
Genome position (GRCh38, 1-based): chr9:132,900,733, C>G on the plus strand (G>C on the coding strand, the complement: TSC1 is on the minus strand). VCF-style: chr9-132900733-C-G. GRCh37 (hg19) VCF-style: chr9-135776120-C-G.
Other names: c.2604G>C, p.Lys868Asn (NM_001162426.2); c.2454G>C, p.Lys818Asn (NM_001162427.2); c.2244G>C, p.Lys748Asn (NM_001362177.2); short protein forms K869N, K818N, K748N, K868N.
Identifiers: ClinVar variation 855360 (VCV000855360.14), dbSNP rs1845327520, ClinGen allele CA375369892.
Genomic context (GRCh38, chr9:132,900,733, plus strand): 5'-ACGCTTTCCCCACTAAGGTCTGGCTCCCGAGCCCTGGCATACCTTTGTGGTATCTGAGTG[C>G]TTGTTCTGCAGTTGTTCCAAATAGAGCTCGTTGACCTCCCCAAGAACCAACAGCTGCCTG-3'
Protein context (NP_000359.1, residues 859-879): NELYLEQLQN[Lys869Asn]HSDTTKEVEM

ClinVar aggregate classification (germline): Uncertain significance. Review status: criteria provided, multiple submitters, no conflicts (2 of 4 stars). 4 submissions from 4 submitters: Uncertain significance (4). Last evaluated 2025-09-01.

Conditions:
Hereditary cancer-predisposing syndrome. Also called: Hereditary neoplastic syndrome; Tumor predisposition; Neoplastic Syndromes, Hereditary; Hereditary Cancer Syndrome. Identifiers: Orphanet 140162, MedGen C0027672, MeSH D009386, MONDO:0015356.
Tuberous sclerosis 1 (TSC1). Identifiers: Orphanet 805, MedGen C1854465, MONDO:0008612, OMIM 191100.

Allele frequency attached by ClinVar (database versions not stated): gnomAD exomes below 0.00001.
gnomAD v4.1: 1 of 1,614,148 alleles (0.000062%); highest among the groups gnomAD compares: Non-Finnish European, 0.000085%; no homozygotes.

Submissions (4):

Ambry Genetics
Classification: Uncertain significance for Hereditary cancer-predisposing syndrome. Last evaluated: 2025-09-01. Review status: criteria provided, single submitter. Criteria: Ambry Variant Classification Scheme 2023. Collection method: clinical testing. Allele origin: germline.
Comment: The p.K869N variant (also known as c.2607G>C), located in coding exon 18 of the TSC1 gene, results from a G to C substitution at nucleotide position 2607. The lysine at codon 869 is replaced by asparagine, an amino acid with similar properties. This amino acid position is conserved. In addition, this alteration is predicted to be tolerated by in silico analysis. Based on the available evidence, the clinical significance of this variant remains unclear.

Labcorp Genetics (formerly Invitae), Labcorp
Classification: Uncertain significance for Tuberous sclerosis 1. Last evaluated: 2025-08-17. Review status: criteria provided, single submitter. Criteria: Invitae Variant Classification Sherloc (09022015). Collection method: clinical testing. Allele origin: germline.
Comment: This sequence change replaces lysine, which is basic and polar, with asparagine, which is neutral and polar, at codon 869 of the TSC1 protein (p.Lys869Asn). This variant is not present in population databases (gnomAD no frequency). This variant has not been reported in the literature in individuals affected with TSC1-related conditions. ClinVar contains an entry for this variant (Variation ID: 855360). Invitae Evidence Modeling of protein sequence and biophysical properties (such as structural, functional, and spatial information, amino acid conservation, physicochemical variation, residue mobility, and thermodynamic stability) indicates that this missense variant is not expected to disrupt TSC1 protein function with a negative predictive value of 95%. In summary, the available evidence is currently insufficient to determine the role of this variant in disease. Therefore, it has been classified as a Variant of Uncertain Significance.

Genome-Nilou Lab
Classification: Uncertain significance for Tuberous sclerosis 1. Last evaluated: 2021-11-07. Review status: criteria provided, single submitter. Criteria: ACMG Guidelines, 2015. Collection method: clinical testing. Allele origin: germline. Affected: no.

GeneDx
Classification: Uncertain significance. Last evaluated: 2020-02-05. Review status: criteria provided, single submitter. Criteria: GeneDx Variant Classification Process June 2021. Collection method: clinical testing. Allele origin: germline. Affected: yes.
Comment: Not observed in large population cohorts (Lek et al., 2016); In silico analysis supports that this missense variant does not alter protein structure/function; Has not been previously published as pathogenic or benign to our knowledge